The following is an entry in ClinVar:

ClinVar aggregate classification (germline): Pathogenic/Likely pathogenic. Review status: criteria provided, multiple submitters, no conflicts (2 of 4 stars). 6 submissions from 6 submitters: Pathogenic (4); Likely pathogenic (1). 1 of the submissions does not count toward it. Last evaluated 2025-10-24.

Conditions:
Possible mitochondrial disorder - nuclear genes.
Global developmental delay (DD). Also called: Cognitive delay. Identifiers: MedGen C0557874, HP:0001263. Disease mechanism: loss of function.
ADCK3-related disorder. Also called: ADCK3-related disorders.
Autosomal recessive ataxia due to ubiquinone deficiency. Also called: SPINOCEREBELLAR ATAXIA, AUTOSOMAL RECESSIVE 9; Coenzyme Q10 deficiency, primary, 4. Identifiers: Orphanet 139485, MedGen C2677589, MONDO:0012784, OMIM 612016.

Allele frequency attached by ClinVar (database versions not stated): ExAC 0.00002; gnomAD exomes 0.00002; TOPMed 0.00002; gnomAD 0.00003 and 0.00004.
gnomAD v4.1: 20 of 1,611,512 alleles (0.0012%); highest among the groups gnomAD compares: East Asian, 0.0045%; no homozygotes.

Submissions (6):

Labcorp Genetics (formerly Invitae), Labcorp
Classification: Pathogenic. Last evaluated: 2025-10-24. Review status: criteria provided, single submitter. Criteria: Invitae Variant Classification Sherloc (09022015). Collection method: clinical testing. Allele origin: germline.
Comment: This sequence change creates a premature translational stop signal (p.Arg410*) in the COQ8A gene. It is expected to result in an absent or disrupted protein product. Loss-of-function variants in COQ8A are known to be pathogenic (PMID: 18319074, 20580948). This variant is present in population databases (rs753254213, gnomAD 0.01%). This premature translational stop signal has been observed in individual(s) with autosomal recessive cerebellar ataxia (PMID: 24164873). ClinVar contains an entry for this variant (Variation ID: 379797). For these reasons, this variant has been classified as Pathogenic.

Medical and Scientific Branch, Hong Kong Genome Institute
Classification: Pathogenic for Autosomal recessive ataxia due to ubiquinone deficiency. Last evaluated: 2025-10-11. Review status: criteria provided, single submitter. Criteria: ACMG Guidelines, 2015. Collection method: clinical testing. Allele origin: germline. Affected: yes.

Genetics Laboratory, Great Ormond Street Hospital NHS Foundation Trust, North Thames Genomic Laboratory Hub
Classification: Pathogenic for Possible mitochondrial disorder - nuclear genes. Last evaluated: 2025-09-02. Review status: criteria provided, single submitter. Criteria: ACGS Best Practice Guidelines for Variant Classification in Rare Disease 2024 v1.2. Collection method: clinical testing. Allele origin: germline. Affected: yes.
Comment: PM2_moderate, PVS1_very-strong

GeneDx
Classification: Pathogenic. Last evaluated: 2022-10-13. Review status: criteria provided, single submitter. Criteria: GeneDx Variant Classification Process June 2021. Collection method: clinical testing. Allele origin: germline. Affected: yes.
Comment: Nonsense variant predicted to result in protein truncation or nonsense mediated decay in a gene for which loss of function is a known mechanism of disease; Not observed at significant frequency in large population cohorts (gnomAD); This variant is associated with the following publications: (PMID: 31589614, 33677064, 32553579, 34663476, 32337771, 24164873)

Blueprint Genetics
Classification: Likely pathogenic for ADCK3-related disorders. Last evaluated: 2019-04-30. Review status: criteria provided, single submitter. Criteria: ACMG Guidelines, 2015. Collection method: clinical testing. Allele origin: germline. Affected: yes. Observed: 1 variant allele.

Centre de Biologie Pathologie Génétique, Centre Hospitalier Universitaire de Lille
Classification: Uncertain significance for Global developmental delay. Last evaluated: 2020-01-01. Review status: no assertion criteria provided. Collection method: clinical testing. Allele origin: germline. Affected: yes. Not counted in ClinVar's aggregate classification.

Literature cited by the submitters: PubMed 18319074 (cited by Labcorp Genetics (formerly Invitae), Labcorp); PubMed 20580948 (cited by Labcorp Genetics (formerly Invitae), Labcorp); PubMed 24164873 (cited by Labcorp Genetics (formerly Invitae), Labcorp).

NM_020247.5(COQ8A):c.1228C>T (p.Arg410Ter)

Gene: COQ8A (coenzyme Q8A; plus strand). Cytogenetic location: 1q42.13.
Variant type: single nucleotide variant.
Coding change: c.1228C>T on transcript NM_020247.5 (MANE Select); coding-DNA position 1228, C replaced by T.
Protein change: p.Arg410Ter; replaces arginine 410 with a stop codon.
Molecular consequence: nonsense.
Genome position (GRCh38, 1-based): chr1:226,983,826, C>T. VCF-style: chr1-226983826-C-T. GRCh37 (hg19) VCF-style: chr1-227171527-C-T.
Other names: short protein forms R410*.
Identifiers: ClinVar variation 379797 (VCV000379797.12), dbSNP rs753254213, ClinGen allele CA1425371.
Genomic context (GRCh38, chr1:226,983,826, plus strand): 5'-TTCCCCGAGCACCTGATCGACGTGCTGAGGCGGGAGCTGGCCCTGGAGTGTGACTACCAG[C>T]GAGAGGCCGCCTGTGCCCGCAAGTTCAGGTGTGGCCCCCGGCCGGGCCCCTTGCGTGTTT-3'